The following is an entry in ClinVar:

ClinVar aggregate classification (germline): Uncertain significance (1 of 4 stars; one submission).

Allele frequency attached by ClinVar (database versions not stated): TOPMed 0.00002.

Submission:

Labcorp Genetics (formerly Invitae), Labcorp
Classification: Uncertain significance. Last evaluated: 2023-03-29. Review status: criteria provided, single submitter. Criteria: Invitae Variant Classification Sherloc (09022015). Collection method: clinical testing. Allele origin: germline.
Comment: This sequence change replaces glycine, which is neutral and non-polar, with alanine, which is neutral and non-polar, at codon 80 of the LEMD3 protein (p.Gly80Ala). In summary, the available evidence is currently insufficient to determine the role of this variant in disease. Therefore, it has been classified as a Variant of Uncertain Significance. Algorithms developed to predict the effect of missense changes on protein structure and function output the following: SIFT: "Not Available"; PolyPhen-2: "Benign"; Align-GVGD: "Not Available". The alanine amino acid residue is found in multiple mammalian species, which suggests that this missense change does not adversely affect protein function. This variant has not been reported in the literature in individuals affected with LEMD3-related conditions. This variant is not present in population databases (gnomAD no frequency).

NM_014319.5(LEMD3):c.239G>C (p.Gly80Ala)

Gene: LEMD3 (LEM domain containing 3; plus strand). Cytogenetic location: 12q14.3.
Variant type: single nucleotide variant.
Coding change: c.239G>C on transcript NM_014319.5 (MANE Select); coding-DNA position 239, G replaced by C.
Protein change: p.Gly80Ala; replaces glycine 80 with alanine.
Molecular consequence: missense variant.
Genome position (GRCh38, 1-based): chr12:65,169,835, G>C. VCF-style: chr12-65169835-G-C. GRCh37 (hg19) VCF-style: chr12-65563615-G-C.
Other names: c.239G>C, p.Gly80Ala (NM_001167614.2); short protein forms G80A.
Identifiers: ClinVar variation 2807852 (VCV002807852.3), dbSNP rs757211962, ClinGen allele CA6670703.